The following is an entry in ClinVar:

NM_015030.2(FRYL):c.5316dup (p.Ala1773fs)

Gene: FRYL (FRY like transcription coactivator; minus strand). Cytogenetic location: 4p11.
Variant type: Duplication.
Coding change: c.5316dup on transcript NM_015030.2 (MANE Select); coding-DNA position 5316, one base duplicated (T; older notation c.5316dupT).
Protein change: p.Ala1773fs; shifts the reading frame from alanine 1773.
Molecular consequence: frameshift variant.
Genome position (GRCh38, 1-based): chr4:48,544,868, A duplicated on the plus strand (T on the coding strand, the reverse complement: FRYL is on the minus strand). VCF-style (leftmost placement, unchanged base first): chr4-48544867-C-CA. GRCh37 (hg19) VCF-style: chr4-48546884-C-CA.
Other names: short protein forms A1773fs.
Identifiers: ClinVar variation 4891112 (VCV004891112.1).

ClinVar aggregate classification (germline): Likely pathogenic (1 of 4 stars; one submission).

Conditions:
Pan-Chung-Bellen syndrome. Identifiers: MedGen C5975547, MONDO:0975953, OMIM 621049.

Submission:

Greenwood Genetic Center Diagnostic Laboratories, Greenwood Genetic Center
Classification: Likely pathogenic for Pan-Chung-Bellen syndrome. Last evaluated: 2026-05-29. Review status: criteria provided, single submitter. Criteria: ACMG Guidelines, 2015. Collection method: clinical testing. Allele origin: germline. Affected: yes.
Comment: PVS1, PM2